The following is an entry in ClinVar:

ClinVar aggregate classification (germline): Uncertain significance (1 of 4 stars; one submission).

Submission:

GeneDx
Classification: Uncertain significance. Last evaluated: 2021-04-20. Review status: criteria provided, single submitter. Criteria: GeneDx Variant Classification Process June 2021. Collection method: clinical testing. Allele origin: germline. Affected: yes.
Comment: Not observed in large population cohorts (Lek et al., 2016); In silico analysis supports that this missense variant has a deleterious effect on protein structure/function; Has not been previously published as pathogenic or benign to our knowledge

NM_015981.4(CAMK2A):c.308C>T (p.Ala103Val)

Gene: CAMK2A (calcium/calmodulin dependent protein kinase II alpha; minus strand). Cytogenetic location: 5q32.
Variant type: single nucleotide variant.
Coding change: c.308C>T on transcript NM_015981.4 (MANE Select); coding-DNA position 308, C replaced by T.
Protein change: p.Ala103Val; replaces alanine 103 with valine.
Molecular consequence: missense variant.
Genome position (GRCh38, 1-based): chr5:150,256,796, G>A on the plus strand (C>T on the coding strand, the complement: CAMK2A is on the minus strand). VCF-style: chr5-150256796-G-A. GRCh37 (hg19) VCF-style: chr5-149636359-G-A.
Other names: c.308C>T, p.Ala103Val (NM_001363989.1, NM_001363990.1, NM_001369025.2 and 1 more transcripts); short protein forms A103V.
Identifiers: ClinVar variation 1316951 (VCV001316951.2), dbSNP rs2150284945, ClinGen allele CA361754428.